The following is an entry in ClinVar:

NM_000807.4(GABRA2):c.865A>C (p.Thr289Pro)

Gene: GABRA2 (gamma-aminobutyric acid type A receptor subunit alpha2; minus strand). Cytogenetic location: 4p12.
Variant type: single nucleotide variant.
Coding change: c.865A>C on transcript NM_000807.4 (MANE Select); coding-DNA position 865, A replaced by C.
Protein change: p.Thr289Pro; replaces threonine 289 with proline.
Molecular consequence: missense variant.
Genome position (GRCh38, 1-based): chr4:46,262,120, T>G on the plus strand (A>C on the coding strand, the complement: GABRA2 is on the minus strand). VCF-style: chr4-46262120-T-G. GRCh37 (hg19) VCF-style: chr4-46264137-T-G.
Other names: c.865A>C, p.Thr289Pro (NM_001114175.3, NM_001330690.2, NM_001377144.1 and 8 more transcripts); c.700A>C, p.Thr234Pro (NM_001286827.3, NM_001377152.1, NM_001377153.1 and 1 more transcripts); short protein forms T234P, T289P.
Identifiers: ClinVar variation 3651925 (VCV003651925.2).

ClinVar aggregate classification (germline): Uncertain significance (1 of 4 stars; one submission).

Submission:

Labcorp Genetics (formerly Invitae), Labcorp
Classification: Uncertain significance. Last evaluated: 2024-05-02. Review status: criteria provided, single submitter. Criteria: Invitae Variant Classification Sherloc (09022015). Collection method: clinical testing. Allele origin: germline.
Comment: This sequence change replaces threonine, which is neutral and polar, with proline, which is neutral and non-polar, at codon 289 of the GABRA2 protein (p.Thr289Pro). This variant is not present in population databases (gnomAD no frequency). This variant has not been reported in the literature in individuals affected with GABRA2-related conditions. An algorithm developed to predict the effect of missense changes on protein structure and function (PolyPhen-2) suggests that this variant is likely to be disruptive. In summary, the available evidence is currently insufficient to determine the role of this variant in disease. Therefore, it has been classified as a Variant of Uncertain Significance.